The following is an entry in ClinVar:

ClinVar aggregate classification (germline): Uncertain significance (1 of 4 stars; one submission).

gnomAD v4.1: 11 of 1,612,402 alleles (0.00068%); highest among the groups gnomAD compares: East Asian, 0.0022%; no homozygotes.

Submission:

Labcorp Genetics (formerly Invitae), Labcorp
Classification: Uncertain significance. Last evaluated: 2026-02-03. Review status: criteria provided, single submitter. Criteria: Invitae Variant Classification Sherloc (09022015). Collection method: clinical testing. Allele origin: germline.
Comment: This sequence change replaces arginine, which is basic and polar, with histidine, which is basic and polar, at codon 361 of the ITPR1 protein (p.Arg361His). This variant is not present in population databases (gnomAD no frequency). This variant has not been reported in the literature in individuals affected with ITPR1-related conditions. ClinVar contains an entry for this variant (Variation ID: 3720428). Invitae Evidence Modeling of protein sequence and biophysical properties (such as structural, functional, and spatial information, amino acid conservation, physicochemical variation, residue mobility, and thermodynamic stability) indicates that this missense variant is not expected to disrupt ITPR1 protein function with a negative predictive value of 95%. In summary, the available evidence is currently insufficient to determine the role of this variant in disease. Therefore, it has been classified as a Variant of Uncertain Significance.

NM_001378452.1(ITPR1):c.1127G>A (p.Arg376His)

Gene: ITPR1 (inositol 1,4,5-trisphosphate receptor type 1; plus strand). Cytogenetic location: 3p26.1.
Variant type: single nucleotide variant.
Coding change: c.1127G>A on transcript NM_001378452.1 (MANE Select); coding-DNA position 1127, G replaced by A.
Protein change: p.Arg376His; replaces arginine 376 with histidine.
Molecular consequence: missense variant.
Genome position (GRCh38, 1-based): chr3:4,658,254, G>A. VCF-style: chr3-4658254-G-A. GRCh37 (hg19) VCF-style: chr3-4699938-G-A.
Other names: c.1127G>A, p.Arg376His (NM_001099952.4); c.1082G>A, p.Arg361His (NM_001168272.2, NM_002222.7); short protein forms R361H, R376H.
Identifiers: ClinVar variation 3720428 (VCV003720428.2).